The following is an entry in ClinVar:

ClinVar aggregate classification (germline): Uncertain significance. Review status: criteria provided, multiple submitters, no conflicts (2 of 4 stars). 2 submissions from 2 submitters: Uncertain significance (2). Last evaluated 2025-01-16.

Conditions:
Neurofibromatosis, type 1 (NF1). Also called: Peripheral type neurofibromatosis; VON RECKLINGHAUSEN DISEASE; Neurofibromatosis, type I; NEUROFIBROMATOSIS, TYPE I, SOMATIC. Identifiers: Orphanet 636, MedGen C0027831, MONDO:0018975, OMIM 162200. Disease mechanism: loss of function.

Submissions (2):

Labcorp Genetics (formerly Invitae), Labcorp
Classification: Uncertain significance for Neurofibromatosis, type 1. Last evaluated: 2025-01-16. Review status: criteria provided, single submitter. Criteria: Invitae Variant Classification Sherloc (09022015). Collection method: clinical testing. Allele origin: germline.
Comment: This sequence change replaces arginine, which is basic and polar, with serine, which is neutral and polar, at codon 1325 of the NF1 protein (p.Arg1325Ser). This variant is not present in population databases (gnomAD no frequency). This variant has not been reported in the literature in individuals affected with NF1-related conditions. ClinVar contains an entry for this variant (Variation ID: 845334). An algorithm developed to predict the effect of missense changes on protein structure and function (PolyPhen-2) suggests that this variant is likely to be disruptive. In summary, the available evidence is currently insufficient to determine the role of this variant in disease. Therefore, it has been classified as a Variant of Uncertain Significance.

GeneDx
Classification: Uncertain significance. Last evaluated: 2022-03-22. Review status: criteria provided, single submitter. Criteria: GeneDx Variant Classification Process June 2021. Collection method: clinical testing. Allele origin: germline. Affected: yes.
Comment: Not observed at significant frequency in large population cohorts (gnomAD); In silico analysis supports that this missense variant has a deleterious effect on protein structure/function; In addition, in silico splice predictors suggest this variant may lead to abnormal gene splicing. In the absence of RNA/functional studies, the actual effect of this sequence change is unknown.; Has not been previously published as pathogenic or benign to our knowledge; This variant is associated with the following publications: (PMID: 22807134, 25486365)

NM_001042492.3(NF1):c.3975G>T (p.Arg1325Ser)

Gene: NF1 (neurofibromin 1; plus strand). Cytogenetic location: 17q11.2.
Variant type: single nucleotide variant.
Coding change: c.3975G>T on transcript NM_001042492.3 (MANE Select); coding-DNA position 3975, G replaced by T.
Protein change: p.Arg1325Ser; replaces arginine 1325 with serine.
Molecular consequence: missense variant.
Genome position (GRCh38, 1-based): chr17:31,248,984, G>T. VCF-style: chr17-31248984-G-T. GRCh37 (hg19) VCF-style: chr17-29576002-G-T.
Other names: c.3975G>T, p.Arg1325Ser (NM_000267.4); short protein forms R1325S.
Identifiers: ClinVar variation 845334 (VCV000845334.8), dbSNP rs1597734999, ClinGen allele CA398994806.